The following is an entry in ClinVar:

NM_001040142.2(SCN2A):c.3922C>G (p.Leu1308Val)

Gene: SCN2A (sodium voltage-gated channel alpha subunit 2; plus strand). Cytogenetic location: 2q24.3.
Variant type: single nucleotide variant.
Coding change: c.3922C>G on transcript NM_001040142.2 (MANE Select); coding-DNA position 3922, C replaced by G.
Protein change: p.Leu1308Val; replaces leucine 1308 with valine.
Molecular consequence: missense variant.
Genome position (GRCh38, 1-based): chr2:165,373,297, C>G. VCF-style: chr2-165373297-C-G. GRCh37 (hg19) VCF-style: chr2-166229807-C-G.
Other names: c.3922C>G, p.Leu1308Val (NM_001040143.2, NM_001371246.1, NM_001371247.1 and 1 more transcripts); short protein forms L1308V.
Identifiers: ClinVar variation 2941821 (VCV002941821.3), dbSNP rs2105370702, ClinGen allele CA349029249.

ClinVar aggregate classification (germline): Uncertain significance (1 of 4 stars; one submission).

Conditions:
Seizures, benign familial infantile, 3 (BFIS3). Also called: CONVULSIONS, BENIGN FAMILIAL INFANTILE, 3; Familial neonatal seizures. Identifiers: Orphanet 140927, Orphanet 306, MedGen C1843140, MONDO:0011904, OMIM 607745.
Developmental and epileptic encephalopathy, 11 (DEE11). Also called: Early infantile epileptic encephalopathy 11. Identifiers: Orphanet 1934, MedGen C3150987, MONDO:0013388, OMIM 613721.

Submission:

Labcorp Genetics (formerly Invitae), Labcorp
Classification: Uncertain significance for Seizures, benign familial infantile, 3; Developmental and epileptic encephalopathy, 11. Last evaluated: 2022-12-02. Review status: criteria provided, single submitter. Criteria: Invitae Variant Classification Sherloc (09022015). Collection method: clinical testing. Allele origin: germline.
Comment: In summary, the available evidence is currently insufficient to determine the role of this variant in disease. Therefore, it has been classified as a Variant of Uncertain Significance. Advanced modeling of protein sequence and biophysical properties (such as structural, functional, and spatial information, amino acid conservation, physicochemical variation, residue mobility, and thermodynamic stability) performed at Invitae indicates that this missense variant is expected to disrupt SCN2A protein function. This variant has not been reported in the literature in individuals affected with SCN2A-related conditions. This variant is not present in population databases (gnomAD no frequency). This sequence change replaces leucine, which is neutral and non-polar, with valine, which is neutral and non-polar, at codon 1308 of the SCN2A protein (p.Leu1308Val).